The following is an entry in ClinVar:

NM_022772.4(EPS8L2):c.1197G>A (p.Trp399Ter)

Gene: EPS8L2 (EPS8 signaling adaptor L2; plus strand). Cytogenetic location: 11p15.5.
Variant type: single nucleotide variant.
Coding change: c.1197G>A on transcript NM_022772.4 (MANE Select); coding-DNA position 1197, G replaced by A.
Protein change: p.Trp399Ter; replaces tryptophan 399 with a stop codon.
Molecular consequence: nonsense.
Genome position (GRCh38, 1-based): chr11:722,538, G>A. VCF-style: chr11-722538-G-A. GRCh37 (hg19) VCF-style: chr11-722538-G-A.
Other names: short protein forms W399*.
Identifiers: ClinVar variation 3601078 (VCV003601078.1).

ClinVar aggregate classification (germline): Pathogenic (1 of 4 stars; one submission).

Conditions:
Hearing loss, autosomal recessive 106. Also called: DEAFNESS, AUTOSOMAL RECESSIVE 106. Identifiers: MedGen C4539954, MONDO:0033198, OMIM 617637.

Submission:

Institute of Rare Diseases, West China Hospital, Sichuan University
Classification: Pathogenic for Hearing loss, autosomal recessive 106. Last evaluated: 2025-01-09. Review status: criteria provided, single submitter. Criteria: ClinGen HL ACMG Specifications v1. Collection method: research. Allele origin: germline. Affected: yes.
Comment: PVS1;PM3_Supporting;PM2_Supporting